The following is an entry in ClinVar:

NM_080680.3(COL11A2):c.1703G>C (p.Gly568Ala)

Gene: COL11A2 (collagen type XI alpha 2 chain; minus strand). Cytogenetic location: 6p21.32.
Variant type: single nucleotide variant.
Coding change: c.1703G>C on transcript NM_080680.3 (MANE Select); coding-DNA position 1703, G replaced by C.
Protein change: p.Gly568Ala; replaces glycine 568 with alanine.
Molecular consequence: missense variant.
Genome position (GRCh38, 1-based): chr6:33,178,695, C>G on the plus strand (G>C on the coding strand, the complement: COL11A2 is on the minus strand). VCF-style: chr6-33178695-C-G. GRCh37 (hg19) VCF-style: chr6-33146472-C-G.
Other names: c.1382G>C, p.Gly461Ala (NM_080679.3); c.1445G>C, p.Gly482Ala (NM_080681.3); short protein forms G461A, G568A, G482A.
Identifiers: ClinVar variation 1439557 (VCV001439557.8), dbSNP rs2150577386, ClinGen allele CA363658573.

ClinVar aggregate classification (germline): Uncertain significance (1 of 4 stars; one submission).

Submission:

Labcorp Genetics (formerly Invitae), Labcorp
Classification: Uncertain significance. Last evaluated: 2022-08-16. Review status: criteria provided, single submitter. Criteria: Invitae Variant Classification Sherloc (09022015). Collection method: clinical testing. Allele origin: germline.
Comment: ClinVar contains an entry for this variant (Variation ID: 1439557). This variant has not been reported in the literature in individuals affected with COL11A2-related conditions. This variant is not present in population databases (gnomAD no frequency). This sequence change replaces glycine, which is neutral and non-polar, with alanine, which is neutral and non-polar, at codon 568 of the COL11A2 protein (p.Gly568Ala). In summary, the available evidence is currently insufficient to determine the role of this variant in disease. Therefore, it has been classified as a Variant of Uncertain Significance. Advanced modeling of protein sequence and biophysical properties (such as structural, functional, and spatial information, amino acid conservation, physicochemical variation, residue mobility, and thermodynamic stability) performed at Invitae indicates that this missense variant is expected to disrupt COL11A2 protein function.